The following is an entry in ClinVar:

NM_001232.4(CASQ2):c.421-15C>G

Gene: CASQ2 (calsequestrin 2; minus strand). Cytogenetic location: 1p13.1.
Variant type: single nucleotide variant.
Coding change: c.421-15C>G on transcript NM_001232.4 (MANE Select); 15 bases into the intron before coding-DNA position 421, C replaced by G.
Molecular consequence: intron variant.
Genome position (GRCh38, 1-based): chr1:115,738,350, G>C on the plus strand (C>G on the coding strand, the complement: CASQ2 is on the minus strand). VCF-style: chr1-115738350-G-C. GRCh37 (hg19) VCF-style: chr1-116280971-G-C.
Identifiers: ClinVar variation 44165 (VCV000044165.25), dbSNP rs199939582, ClinGen allele CA133704.

ClinVar aggregate classification (germline): Conflicting classifications of pathogenicity. Review status: criteria provided, conflicting classifications (1 of 4 stars). 10 submissions from 10 submitters: Uncertain significance (2); Benign (2); Likely benign (5). 1 of the submissions does not count toward it. Last evaluated 2026-01-15.

Conditions:
Catecholaminergic polymorphic ventricular tachycardia 1. Also called: VENTRICULAR TACHYCARDIA, CATECHOLAMINERGIC POLYMORPHIC, 1, WITH OR WITHOUT ATRIAL DYSFUNCTION AND/OR DILATED CARDIOMYOPATHY; VENTRICULAR TACHYCARDIA, STRESS-INDUCED POLYMORPHIC 1; RYR2-Related Catecholaminergic Polymorphic Ventricular Tachycardia. Identifiers: Orphanet 3286, MedGen C1631597, MONDO:0011484, OMIM 604772.
Catecholaminergic polymorphic ventricular tachycardia 2. Also called: VENTRICULAR TACHYCARDIA, STRESS-INDUCED POLYMORPHIC 2; CASQ2-Related Catecholaminergic Polymorphic Ventricular Tachycardia. Identifiers: Orphanet 3286, MedGen C2677794, MONDO:0012762, OMIM 611938.

Allele frequency attached by ClinVar (database versions not stated): 1000 Genomes Project 30x 0.00016; 1000 Genomes Project 0.00020; TOPMed 0.00027.
gnomAD v4.1: 717 of 1,423,534 alleles (0.05%); highest among the groups gnomAD compares: South Asian, 0.45%; 5 homozygotes.

Submissions (10):

Labcorp Genetics (formerly Invitae), Labcorp
Classification: Benign for Catecholaminergic polymorphic ventricular tachycardia 1. Last evaluated: 2026-01-15. Review status: criteria provided, single submitter. Criteria: Invitae Variant Classification Sherloc (09022015). Collection method: clinical testing. Allele origin: germline.

Women's Health and Genetics/Laboratory Corporation of America, LabCorp
Classification: Likely benign. Last evaluated: 2025-09-24. Review status: criteria provided, single submitter. Criteria: LabCorp Variant Classification Summary - May 2015. Collection method: clinical testing. Allele origin: germline.

Blueprint Genetics
Classification: Likely benign. Last evaluated: 2024-11-21. Review status: criteria provided, single submitter. Criteria: ACMG Guidelines, 2015. Collection method: clinical testing. Allele origin: germline.

GeneDx
Classification: Likely benign. Last evaluated: 2018-02-08. Review status: criteria provided, single submitter. Criteria: GeneDx Variant Classification (06012015). Collection method: clinical testing. Allele origin: germline. Affected: yes.
Comment: This variant is considered likely benign or benign based on one or more of the following criteria: it is a conservative change, it occurs at a poorly conserved position in the protein, it is predicted to be benign by multiple in silico algorithms, and/or has population frequency not consistent with disease.

Illumina Laboratory Services, Illumina
Classification: Uncertain significance for Catecholaminergic polymorphic ventricular tachycardia 2. Last evaluated: 2018-01-13. Review status: criteria provided, single submitter. Criteria: ICSL Variant Classification Criteria 13 December 2019. Collection method: clinical testing. Allele origin: germline.

Molecular Diagnostic Laboratory for Inherited Cardiovascular Disease, Montreal Heart Institute
Classification: Uncertain significance. Last evaluated: 2016-07-29. Review status: criteria provided, single submitter. Criteria: ACMG Guidelines, 2015. Collection method: clinical testing. Allele origin: germline. Affected: yes.

Clinical Genetics DNA and cytogenetics Diagnostics Lab, Erasmus MC, Erasmus Medical Center
Classification: Benign for Catecholaminergic polymorphic ventricular tachycardia 2. Last evaluated: 2015-09-21. Review status: criteria provided, single submitter. Criteria: ACGS Guidelines, 2013. Collection method: clinical testing. Allele origin: germline. Affected: yes. Study: VKGL Data-share Consensus.

Genome Diagnostics Laboratory, University Medical Center Utrecht
Classification: Likely benign for Catecholaminergic polymorphic ventricular tachycardia 2. Last evaluated: 2014-11-07. Review status: criteria provided, single submitter. Criteria: ACGS Guidelines, 2013. Collection method: clinical testing. Allele origin: germline. Affected: yes. Study: VKGL Data-share Consensus.

Laboratory for Molecular Medicine, Mass General Brigham Personalized Medicine
Classification: Likely benign. Last evaluated: 2012-08-27. Review status: criteria provided, single submitter. Criteria: LMM Criteria. Collection method: clinical testing. Allele origin: germline. Observed: 8 variant alleles.
Comment: c.421-15C>G in intron 4 of CASQ2: This variant is not expected to have clinical significance because it is not located within the splice consensus sequence and it has been identified in 0.5% (80/16508) of South Asian chromosomes by the Exom e Aggregation Consortium (ExAC; dbSNP rs19993958 2).

Clinical Genetics, Academic Medical Center
Classification: Benign. Review status: no assertion criteria provided. Collection method: clinical testing. Allele origin: germline. Affected: yes. Study: VKGL Data-share Consensus. Not counted in ClinVar's aggregate classification.